The following is an entry in ClinVar:

NM_001080467.3(MYO5B):c.4271A>G (p.Lys1424Arg)

Genes: MYO5B (myosin VB; minus strand), SNHG22 (small nucleolar RNA host gene 22; plus strand), LOC126862745 (MED14-independent group 3 enhancer GRCh37_chr18:47375491-47376690; plus strand). Cytogenetic location: 18q21.1.
Variant type: single nucleotide variant.
Coding change: c.4271A>G on transcript NM_001080467.3 (MANE Select); coding-DNA position 4271, A replaced by G.
Protein change: p.Lys1424Arg; replaces lysine 1424 with arginine.
Molecular consequence: missense variant.
Genome position (GRCh38, 1-based): chr18:49,849,611, T>C on the plus strand (A>G on the coding strand, the complement: MYO5B is on the minus strand). VCF-style: chr18-49849611-T-C. GRCh37 (hg19) VCF-style: chr18-47375981-T-C.
Other names: c.4271A>G (NM_001080467.2); short protein forms K1424R.
Identifiers: ClinVar variation 1516752 (VCV001516752.7), dbSNP rs200235904, ClinGen allele CA8960418.

ClinVar aggregate classification (germline): Uncertain significance. Review status: criteria provided, multiple submitters, no conflicts (2 of 4 stars). 2 submissions from 2 submitters: Uncertain significance (2). Last evaluated 2026-01-09.

Allele frequency attached by ClinVar (database versions not stated): gnomAD exomes 0.00001 and 0.00003; ExAC 0.00003; gnomAD 0.00009; TOPMed 0.00013; 1000 Genomes Project 30x 0.00016; 1000 Genomes Project 0.00020; ESP Exome Variant Server 0.00025.
gnomAD v4.1: 37 of 1,613,826 alleles (0.0023%); highest among the groups gnomAD compares: African/African-American, 0.031%; no homozygotes.

Submissions (2):

Labcorp Genetics (formerly Invitae), Labcorp
Classification: Uncertain significance. Last evaluated: 2026-01-09. Review status: criteria provided, single submitter. Criteria: Invitae Variant Classification Sherloc (09022015). Collection method: clinical testing. Allele origin: germline.
Comment: This sequence change replaces lysine, which is basic and polar, with arginine, which is basic and polar, at codon 1424 of the MYO5B protein (p.Lys1424Arg). This variant is present in population databases (rs200235904, gnomAD 0.04%). This variant has not been reported in the literature in individuals affected with MYO5B-related conditions. ClinVar contains an entry for this variant (Variation ID: 1516752). Invitae Evidence Modeling of protein sequence and biophysical properties (such as structural, functional, and spatial information, amino acid conservation, physicochemical variation, residue mobility, and thermodynamic stability) indicates that this missense variant is not expected to disrupt MYO5B protein function with a negative predictive value of 80%. In summary, the available evidence is currently insufficient to determine the role of this variant in disease. Therefore, it has been classified as a Variant of Uncertain Significance.

GeneDx
Classification: Uncertain significance. Last evaluated: 2023-12-28. Review status: criteria provided, single submitter. Criteria: GeneDx Variant Classification Process June 2021. Collection method: clinical testing. Allele origin: germline. Affected: yes.
Comment: In silico analysis supports that this missense variant does not alter protein structure/function; Has not been previously published as pathogenic or benign to our knowledge